The following is an entry in ClinVar:

NM_173491.4(LSM11):c.675A>G (p.Leu225=)

Gene: LSM11 (LSM11, U7 small nuclear RNA associated; plus strand). Cytogenetic location: 5q33.3.
Variant type: single nucleotide variant.
Coding change: c.675A>G on transcript NM_173491.4 (MANE Select); coding-DNA position 675, A replaced by G.
Protein change: p.Leu225=; no amino-acid change (leucine 225 retained).
Molecular consequence: synonymous variant.
Genome position (GRCh38, 1-based): chr5:157,754,856, A>G. VCF-style: chr5-157754856-A-G. GRCh37 (hg19) VCF-style: chr5-157181864-A-G.
Identifiers: ClinVar variation 2656005 (VCV002656005.25), dbSNP rs370509120, ClinGen allele CA3536760.

ClinVar aggregate classification (germline): Conflicting classifications of pathogenicity. Review status: criteria provided, conflicting classifications (1 of 4 stars). 2 submissions from 2 submitters: Uncertain significance (1); Likely benign (1). Last evaluated 2026-03-09.

Allele frequency attached by ClinVar (database versions not stated): ExAC 0.00019; gnomAD 0.00028; gnomAD exomes 0.00049; ESP Exome Variant Server 0.00023; TOPMed 0.00023.
gnomAD v4.1: 736 of 1,612,326 alleles (0.046%); highest among the groups gnomAD compares: Non-Finnish European, 0.06%; no homozygotes.

Submissions (2):

Women's Health and Genetics/Laboratory Corporation of America, LabCorp
Classification: Uncertain significance. Last evaluated: 2026-03-09. Review status: criteria provided, single submitter. Criteria: LabCorp Variant Classification Summary - May 2015. Collection method: clinical testing. Allele origin: germline.
Comment: Variant summary: LSM11 c.675A>G (p.Leu225Leu) alters a conserved nucleotide located close to a canonical splice site and therefore could affect mRNA splicing, leading to a significantly altered protein sequence. The variant allele was found at a frequency of 0.00025 in 249788 control chromosomes, predominantly at a frequency of 0.00049 within the Non-Finnish European subpopulation in the gnomAD database. This frequency is not significantly higher than estimated for disease-causing variants in LSM11, allowing no conclusion about variant significance. To our knowledge, no occurrence of c.675A>G in individuals affected with LSM11-related conditions and no experimental evidence demonstrating its impact on protein function have been reported. ClinVar contains an entry for this variant (Variation ID: 2656005). Based on the evidence outlined above, the variant was classified as uncertain significance.

CeGaT Center for Human Genetics Tuebingen
Classification: Likely benign. Last evaluated: 2025-03-01. Review status: criteria provided, single submitter. Criteria: CeGaT Center For Human Genetics Tuebingen Variant Classification Criteria Version 2. Collection method: clinical testing. Allele origin: germline. Affected: yes. Observed: 3 variant alleles.
Comment: LSM11: BP4, BP7